The following is an entry in ClinVar:

ClinVar aggregate classification (germline): Benign/Likely benign. Review status: criteria provided, multiple submitters, no conflicts (2 of 4 stars). 7 submissions from 6 submitters: Benign (4); Likely benign (2). 1 of the submissions does not count toward it. Last evaluated 2026-01-31.

Conditions:
Adams-Oliver syndrome 5 (AOS5). Identifiers: Orphanet 974, MedGen C4014970, MONDO:0014459, OMIM 616028.
Familial thoracic aortic aneurysm and aortic dissection (TAAD). Also called: Thoracic aortic aneurysms and dissections. Identifiers: Orphanet 91387, MedGen C4707243, MONDO:0019625.
Aortic valve disease 1 (AOVD1). Identifiers: MedGen C3887892, MONDO:0024523, OMIM 109730.

Allele frequency attached by ClinVar (database versions not stated): 1000 Genomes Project 30x 0.00062; TOPMed 0.00068; gnomAD 0.00070; 1000 Genomes Project 0.00080.
gnomAD v4.1: 281 of 1,611,264 alleles (0.017%); highest among the groups gnomAD compares: East Asian, 0.59%; 1 homozygote.

Submissions (7):

Women's Health and Genetics/Laboratory Corporation of America, LabCorp
Classification: Likely benign. Last evaluated: 2026-01-31. Review status: criteria provided, single submitter. Criteria: LabCorp Variant Classification Summary - May 2015. Collection method: clinical testing. Allele origin: germline.

Labcorp Genetics (formerly Invitae), Labcorp
Classification: Benign for Adams-Oliver syndrome 5. Last evaluated: 2026-01-11. Review status: criteria provided, single submitter. Criteria: Invitae Variant Classification Sherloc (09022015). Collection method: clinical testing. Allele origin: germline.

Genome-Nilou Lab
Classification: Benign for Adams-Oliver syndrome 5. Last evaluated: 2022-03-15. Review status: criteria provided, single submitter. Criteria: ACMG Guidelines, 2015. Collection method: clinical testing. Allele origin: germline. Affected: no.

Genome-Nilou Lab
Classification: Benign for Aortic valve disease 1. Last evaluated: 2022-03-15. Review status: criteria provided, single submitter. Criteria: ACMG Guidelines, 2015. Collection method: clinical testing. Allele origin: germline. Affected: no.

GeneDx
Classification: Likely benign. Last evaluated: 2019-07-02. Review status: criteria provided, single submitter. Criteria: GeneDx Variant Classification Process June 2021. Collection method: clinical testing. Allele origin: germline. Affected: yes.
Comment: This variant is associated with the following publications: (PMID: 24277457, 27611364)

Ambry Genetics
Classification: Benign for Familial thoracic aortic aneurysm and aortic dissection. Last evaluated: 2017-04-03. Review status: criteria provided, single submitter. Criteria: Ambry Variant Classification Scheme 2023. Collection method: clinical testing. Allele origin: germline.

ITMI
No classification provided. Condition: AllHighlyPenetrant. Last evaluated: 2013-09-19. Review status: no classification provided. Collection method: reference population. Allele origin: germline. Not counted in ClinVar's aggregate classification.
Comment: Please see associated publication for description of ethnicities

Literature cited by the submitters: PubMed 24943832 (cited by Women's Health and Genetics/Laboratory Corporation of America, LabCorp); PubMed 16614245 (cited by Women's Health and Genetics/Laboratory Corporation of America, LabCorp); PubMed 21670202 (cited by Women's Health and Genetics/Laboratory Corporation of America, LabCorp); PubMed 22210878 (cited by Women's Health and Genetics/Laboratory Corporation of America, LabCorp); PubMed 19635999 (cited by Women's Health and Genetics/Laboratory Corporation of America, LabCorp); PubMed 26837699 (cited by Women's Health and Genetics/Laboratory Corporation of America, LabCorp); PubMed 23086750 (cited by Women's Health and Genetics/Laboratory Corporation of America, LabCorp); PubMed 19245433 (cited by Women's Health and Genetics/Laboratory Corporation of America, LabCorp); PubMed 22077063 (cited by Women's Health and Genetics/Laboratory Corporation of America, LabCorp); PubMed 15472075 (cited by Women's Health and Genetics/Laboratory Corporation of America, LabCorp); PubMed 23734977 (cited by Women's Health and Genetics/Laboratory Corporation of America, LabCorp); PubMed 22858860 (cited by Women's Health and Genetics/Laboratory Corporation of America, LabCorp); PubMed 24728327 (cited by ITMI).

NM_017617.5(NOTCH1):c.3401A>G (p.Gln1134Arg)

Gene: NOTCH1 (notch receptor 1; minus strand). Cytogenetic location: 9q34.3.
Variant type: single nucleotide variant.
Coding change: c.3401A>G on transcript NM_017617.5 (MANE Select); coding-DNA position 3401, A replaced by G.
Protein change: p.Gln1134Arg; replaces glutamine 1134 with arginine.
Molecular consequence: missense variant.
Genome position (GRCh38, 1-based): chr9:136,508,064, T>C on the plus strand (A>G on the coding strand, the complement: NOTCH1 is on the minus strand). VCF-style: chr9-136508064-T-C. GRCh37 (hg19) VCF-style: chr9-139402516-T-C.
Other names: c.3401A>G, p.Gln1134Arg (LRG_1122t1); short protein forms Q1134R.
Identifiers: ClinVar variation 134926 (VCV000134926.21), dbSNP rs374230681, ClinGen allele CA161179.